The following is an entry in ClinVar:

NM_001366385.1(CARD14):c.1631C>T (p.Ser544Phe)

Gene: CARD14 (caspase recruitment domain family member 14; plus strand). Cytogenetic location: 17q25.3.
Variant type: single nucleotide variant.
Coding change: c.1631C>T on transcript NM_001366385.1 (MANE Select); coding-DNA position 1631, C replaced by T.
Protein change: p.Ser544Phe; replaces serine 544 with phenylalanine.
Molecular consequence: missense variant. On other transcripts: non-coding transcript variant (1).
Genome position (GRCh38, 1-based): chr17:80,198,135, C>T. VCF-style: chr17-80198135-C-T. GRCh37 (hg19) VCF-style: chr17-78171934-C-T.
Other names: c.1631C>T, p.Ser544Phe (NM_001257970.1, NM_024110.4); c.920C>T, p.Ser307Phe (NM_052819.3); short protein forms S307F, S544F.
Identifiers: ClinVar variation 1424621 (VCV001424621.8), dbSNP rs577482241, ClinGen allele CA8816904.

ClinVar aggregate classification (germline): Uncertain significance (1 of 4 stars; one submission).

Conditions:
Psoriasis 2. Identifiers: MedGen C1864497, MONDO:0011269, OMIM 602723.
Pityriasis rubra pilaris (PRP). Also called: Pityriasis rubra pilaris--familial type. Identifiers: Orphanet 2897, MedGen C0032027, MONDO:0100017, OMIM 173200, MONDO:0008251.

Allele frequency attached by ClinVar (database versions not stated): gnomAD 0.00001 and 0.00002; TOPMed 0.00001; ExAC 0.00003; gnomAD exomes 0.00003; 1000 Genomes Project 30x 0.00016; 1000 Genomes Project 0.00020.
gnomAD v4.1: 17 of 1,613,924 alleles (0.0011%); highest among the groups gnomAD compares: East Asian, 0.038%; no homozygotes.

Submission:

Labcorp Genetics (formerly Invitae), Labcorp
Classification: Uncertain significance for Pityriasis rubra pilaris; Psoriasis 2. Last evaluated: 2021-05-19. Review status: criteria provided, single submitter. Criteria: Invitae Variant Classification Sherloc (09022015). Collection method: clinical testing. Allele origin: germline.
Comment: In summary, the available evidence is currently insufficient to determine the role of this variant in disease. Therefore, it has been classified as a Variant of Uncertain Significance. Algorithms developed to predict the effect of missense changes on protein structure and function output the following: SIFT: "Deleterious"; PolyPhen-2: "Benign"; Align-GVGD: "Class C15". The phenylalanine amino acid residue is found in multiple mammalian species, suggesting that this missense change does not adversely affect protein function. These predictions have not been confirmed by published functional studies and their clinical significance is uncertain. This variant has not been reported in the literature in individuals with CARD14-related conditions. This variant is present in population databases (rs577482241, ExAC 0.05%). This sequence change replaces serine with phenylalanine at codon 544 of the CARD14 protein (p.Ser544Phe). The serine residue is weakly conserved and there is a large physicochemical difference between serine and phenylalanine.